The following is an entry in ClinVar:

NM_006648.4(WNK2):c.517C>G (p.Pro173Ala)

Gene: WNK2 (WNK lysine deficient protein kinase 2; plus strand). Cytogenetic location: 9q22.31.
Variant type: single nucleotide variant.
Coding change: c.517C>G on transcript NM_006648.4 (MANE Select); coding-DNA position 517, C replaced by G.
Protein change: p.Pro173Ala; replaces proline 173 with alanine.
Molecular consequence: missense variant.
Genome position (GRCh38, 1-based): chr9:93,185,446, C>G. VCF-style: chr9-93185446-C-G. GRCh37 (hg19) VCF-style: chr9-95947728-C-G.
Other names: c.517C>G, p.Pro173Ala (NM_001282394.3); short protein forms P173A.
Identifiers: ClinVar variation 3816499 (VCV003816499.1).

ClinVar aggregate classification (germline): Uncertain significance (1 of 4 stars; one submission).

gnomAD v4.1: 4 of 1,612,268 alleles (0.00025%); highest among the groups gnomAD compares: East Asian, 0.0045%; no homozygotes.

Submission:

Ambry Genetics
Classification: Uncertain significance. Last evaluated: 2024-12-15. Review status: criteria provided, single submitter. Criteria: Ambry Variant Classification Scheme 2023. Collection method: clinical testing. Allele origin: germline.
Comment: The p.P173A variant (also known as c.517C>G), located in coding exon 1 of the WNK2 gene, results from a C to G substitution at nucleotide position 517. The proline at codon 173 is replaced by alanine, an amino acid with highly similar properties. This amino acid position is conserved. In addition, this alteration is predicted to be tolerated by in silico analysis. Based on the available evidence, the clinical significance of this variant remains unclear.